The following is an entry in ClinVar:

ClinVar aggregate classification (germline): Pathogenic (0 of 4 stars; one submission).

Conditions:
Seckel syndrome 5 (SCKL5). Identifiers: Orphanet 808, MedGen C3151187, MONDO:0013443, OMIM 613823.

Submission:

Institute of Human Genetics, University of Goettingen
Classification: Pathogenic for Seckel syndrome 5. Last evaluated: 2016-09-22. Review status: no assertion criteria provided. Collection method: research. Allele origin: germline. Inheritance: Autosomal recessive inheritance. Affected: yes. Observed: 1 variant allele, 1 homozygote.

NM_018451.5(CPAP):c.3936_3939del (p.His1313fs)

Genes: CPAP (centrosome assembly and centriole elongation protein; minus strand), RNF17 (ring finger protein 17; plus strand). Cytogenetic location: 13q12.12.
Variant type: Deletion.
Coding change: c.3936_3939del on transcript NM_018451.5 (MANE Select); coding-DNA positions 3936 to 3939, 4 bases deleted (TCAT; older notation c.3936_3939delTCAT).
Protein change: p.His1313fs; shifts the reading frame from histidine 1313.
Molecular consequence: frameshift variant. On other transcripts: non-coding transcript variant (2).
Genome position (GRCh38, 1-based): chr13:24,883,255-24,883,258, ATGA deleted on the plus strand (TCAT on the coding strand, the reverse complement: CPAP is on the minus strand). VCF-style (leftmost placement, unchanged base first): chr13-24883254-GATGA-G. GRCh37 (hg19) VCF-style: chr13-25457392-GATGA-G.
Other names: short protein forms H1313fs.
Identifiers: ClinVar variation 403711 (VCV000403711.4), dbSNP rs1060499557, ClinGen allele CA16609834.